The following is an entry in ClinVar:

NM_138387.4(G6PC3):c.404C>T (p.Thr135Ile)

Gene: G6PC3 (glucose-6-phosphatase catalytic subunit 3; plus strand). Cytogenetic location: 17q21.31.
Variant type: single nucleotide variant.
Coding change: c.404C>T on transcript NM_138387.4 (MANE Select); coding-DNA position 404, C replaced by T.
Protein change: p.Thr135Ile; replaces threonine 135 with isoleucine.
Molecular consequence: missense variant.
Genome position (GRCh38, 1-based): chr17:44,074,758, C>T. VCF-style: chr17-44074758-C-T. GRCh37 (hg19) VCF-style: chr17-42152126-C-T.
Other names: c.404C>T, p.Thr135Ile (NM_001319945.2); c.59C>T, p.Thr20Ile (NM_001384165.1, NM_001384166.1, NM_001384167.1 and 1 more transcripts); short protein forms T20I, T135I.
Identifiers: ClinVar variation 2844936 (VCV002844936.3), dbSNP rs2050047402, ClinGen allele CA399726495.

ClinVar aggregate classification (germline): Uncertain significance (1 of 4 stars; one submission).

Conditions:
Autosomal recessive severe congenital neutropenia due to G6PC3 deficiency. Also called: NEUTROPENIA, SEVERE CONGENITAL, 4, AUTOSOMAL RECESSIVE; G6PC3 Deficiency. Identifiers: Orphanet 331176, MedGen C2751630, MONDO:0012930, OMIM 612541.

Allele frequency attached by ClinVar (database versions not stated): gnomAD exomes below 0.00001; TOPMed below 0.00001.

Submission:

Labcorp Genetics (formerly Invitae), Labcorp
Classification: Uncertain significance for Autosomal recessive severe congenital neutropenia due to G6PC3 deficiency. Last evaluated: 2023-04-22. Review status: criteria provided, single submitter. Criteria: Invitae Variant Classification Sherloc (09022015). Collection method: clinical testing. Allele origin: germline.
Comment: This sequence change replaces threonine, which is neutral and polar, with isoleucine, which is neutral and non-polar, at codon 135 of the G6PC3 protein (p.Thr135Ile). This variant is not present in population databases (gnomAD no frequency). This variant has not been reported in the literature in individuals affected with G6PC3-related conditions. Advanced modeling of protein sequence and biophysical properties (such as structural, functional, and spatial information, amino acid conservation, physicochemical variation, residue mobility, and thermodynamic stability) performed at Invitae indicates that this missense variant is not expected to disrupt G6PC3 protein function. In summary, the available evidence is currently insufficient to determine the role of this variant in disease. Therefore, it has been classified as a Variant of Uncertain Significance.